The following is an entry in ClinVar:

NM_000492.4(CFTR):c.627A>G (p.Ala209=)

Gene: CFTR (CF transmembrane conductance regulator; plus strand). Cytogenetic location: 7q31.2.
Variant type: single nucleotide variant.
Coding change: c.627A>G on transcript NM_000492.4 (MANE Select); coding-DNA position 627, A replaced by G.
Protein change: p.Ala209=; no amino-acid change (alanine 209 retained).
Molecular consequence: synonymous variant.
Genome position (GRCh38, 1-based): chr7:117,535,295, A>G. VCF-style: chr7-117535295-A-G. GRCh37 (hg19) VCF-style: chr7-117175349-A-G.
Identifiers: ClinVar variation 54031 (VCV000054031.22), dbSNP rs397508773, ClinGen allele CA327609.
Genomic context (GRCh38, chr7:117,535,295, plus strand): 5'-TTTTATTTTCCAGGGACTTGCATTGGCACATTTCGTGTGGATCGCTCCTTTGCAAGTGGC[A>G]CTCCTCATGGGGCTAATCTGGGAGTTGTTACAGGCGTCTGCCTTCTGTGGACTTGGTTTC-3'
Protein context (NP_000483.3, residues 199-219): HFVWIAPLQV[Ala209=]LLMGLIWELL

ClinVar aggregate classification (germline): Conflicting classifications of pathogenicity. Review status: criteria provided, conflicting classifications (1 of 4 stars). 9 submissions from 8 submitters: Uncertain significance (3); Likely benign (4). 2 of the submissions do not count toward it. Last evaluated 2025-07-22.

Conditions:
CFTR-related disorder (CFTR-RD). Also called: CFTR-related disorders; CFTR-related condition. Identifiers: MedGen C5924204, MONDO:7770004.
Congenital bilateral aplasia of vas deferens from CFTR mutation (CBAVD). Identifiers: Orphanet 48, MedGen C0403814, MONDO:0010178, OMIM 277180. Disease mechanism: loss of function.
Cystic fibrosis (CF). Also called: MUCOVISCIDOSIS. Identifiers: Orphanet 586, MedGen C0010674, MONDO:0009061, OMIM 219700. Disease mechanism: loss of function.

Allele frequency attached by ClinVar (database versions not stated): TOPMed 0.00002; gnomAD exomes 0.00001; gnomAD 0.00002.
gnomAD v4.1: 12 of 1,613,760 alleles (0.00074%); highest among the groups gnomAD compares: Admixed American, 0.0017%; no homozygotes.

Submissions (9):

Labcorp Genetics (formerly Invitae), Labcorp
Classification: Likely benign for Cystic fibrosis. Last evaluated: 2025-07-22. Review status: criteria provided, single submitter. Criteria: Invitae Variant Classification Sherloc (09022015). Collection method: clinical testing. Allele origin: germline.

Women's Health and Genetics/Laboratory Corporation of America, LabCorp
Classification: Likely benign. Last evaluated: 2023-03-28. Review status: criteria provided, single submitter. Criteria: LabCorp Variant Classification Summary - May 2015. Collection method: clinical testing. Allele origin: germline.

Mendelics
Classification: Uncertain significance. Last evaluated: 2022-05-04. Review status: criteria provided, single submitter. Criteria: Mendelics Assertion Criteria 2019. Collection method: clinical testing. Allele origin: germline.

Genome-Nilou Lab
Classification: Likely benign for Cystic fibrosis. Last evaluated: 2021-07-22. Review status: criteria provided, single submitter. Criteria: ACMG Guidelines, 2015. Collection method: clinical testing. Allele origin: germline. Affected: no.

Genome-Nilou Lab
Classification: Uncertain significance for Congenital bilateral aplasia of vas deferens from CFTR mutation. Last evaluated: 2021-07-22. Review status: criteria provided, single submitter. Criteria: ACMG Guidelines, 2015. Collection method: clinical testing. Allele origin: germline. Affected: no.

Illumina Laboratory Services, Illumina
Classification: Uncertain significance for CFTR-Related Disorders. Last evaluated: 2018-01-12. Review status: criteria provided, single submitter. Criteria: ICSL Variant Classification Criteria 13 December 2019. Collection method: clinical testing. Allele origin: germline.

Ambry Genetics
Classification: Likely benign for Cystic fibrosis. Last evaluated: 2015-11-08. Review status: criteria provided, single submitter. Criteria: Ambry Variant Classification Scheme 2023. Collection method: clinical testing. Allele origin: germline.

Servicio Canario de Salud, Hospital Universitario Nuestra Sra. de Candelaria
Classification: Likely risk allele for Cystic fibrosis. Last evaluated: 2023-05-26. Review status: no assertion criteria provided. Collection method: clinical testing. Allele origin: germline. Inheritance: Autosomal recessive inheritance. Affected: yes. Observed: 3 compound heterozygotes. Not counted in ClinVar's aggregate classification.
Comment: The c.627A>G p.(Ala209=) CFTR sinonimous variant has been reported in our laboratory, in compound heterocigous state, in 3 patients with clinical diagnosis of Cystic Fibrosis and elevated chloride in sweat. This allele is in linkage disequilibrium with the deep intronic variant c.2989-313A>T (Clinvar pathogenic variant Id 818113). This variant is present in population databases (gnomAD allele frequency 0.00001061). ClinVar contains an entry for this variant (Variation ID: 54031). In summary, if the synonymous variant c.627A>G p.(Ala209=) CFTR is identified, the pathogenic variant c.2989-313A>T located in intron 18 should be studied.

ClinVar Staff, National Center for Biotechnology Information (NCBI)
No classification provided. Condition: CFTR-related disorders. Review status: no classification provided. Collection method: literature only. Allele origin: germline. Affected: yes. Not counted in ClinVar's aggregate classification.

Literature cited by the submitters: PubMed 30389601 (cited by Servicio Canario de Salud, Hospital Universitario Nuestra Sra. de Candelaria); PubMed 11379874 (cited by ClinVar Staff, National Center for Biotechnology Information (NCBI)).